The following is an entry in ClinVar:

NM_144997.7(FLCN):c.554C>T (p.Ser185Phe)

Gene: FLCN (folliculin; minus strand). Cytogenetic location: 17p11.2.
Variant type: single nucleotide variant.
Coding change: c.554C>T on transcript NM_144997.7 (MANE Select); coding-DNA position 554, C replaced by T.
Protein change: p.Ser185Phe; replaces serine 185 with phenylalanine.
Molecular consequence: missense variant.
Genome position (GRCh38, 1-based): chr17:17,223,986, G>A on the plus strand (C>T on the coding strand, the complement: FLCN is on the minus strand). VCF-style: chr17-17223986-G-A. GRCh37 (hg19) VCF-style: chr17-17127300-G-A.
Other names: c.554C>T, p.Ser185Phe (NM_144606.7, NM_001353230.2, NM_001353231.2); c.608C>T, p.Ser203Phe (NM_001353229.2); short protein forms S185F, S203F.
Identifiers: ClinVar variation 4257944 (VCV004257944.2).
Genomic context (GRCh38, chr17:17,223,986, plus strand): 5'-AGCGCCTTGCCCTGGAGCTCATCGATGATTCCCCGGACCTTCCCCAGCAGGAAGGGCCAG[G>A]AGTTGATGAGGTAGATCCGGTCCATCATGATGGTGATGATGCTGTACCAGCGCTGGAAGC-3'
Protein context (NP_659434.2, residues 175-195): IMMDRIYLIN[Ser185Phe]WPFLLGKVRG

ClinVar aggregate classification (germline): Uncertain significance. Review status: criteria provided, multiple submitters, no conflicts (2 of 4 stars). 2 submissions from 2 submitters: Uncertain significance (2). Last evaluated 2025-08-23.

Conditions:
Hereditary cancer-predisposing syndrome. Also called: Neoplastic Syndromes, Hereditary; Tumor predisposition; Hereditary Cancer Syndrome; Hereditary neoplastic syndrome. Identifiers: Orphanet 140162, MedGen C0027672, MeSH D009386, MONDO:0015356.
Birt-Hogg-Dube syndrome. Also called: Birt Hogg Dubé syndrome. Identifiers: Orphanet 122, MedGen C0346010, MONDO:0800444.

gnomAD v4.1: 1 of 1,613,684 alleles (0.000062%); highest among the groups gnomAD compares: Non-Finnish European, 0.000085%; no homozygotes.

Submissions (2):

Ambry Genetics
Classification: Uncertain significance for Hereditary cancer-predisposing syndrome. Last evaluated: 2025-08-23. Review status: criteria provided, single submitter. Criteria: Ambry Variant Classification Scheme 2023. Collection method: clinical testing. Allele origin: germline.
Comment: The p.S185F variant (also known as c.554C>T), located in coding exon 3 of the FLCN gene, results from a C to T substitution at nucleotide position 554. The serine at codon 185 is replaced by phenylalanine, an amino acid with highly dissimilar properties. This amino acid position is conserved. In addition, this alteration is predicted to be deleterious by in silico analysis. Based on the available evidence, the clinical significance of this variant remains unclear.

Labcorp Genetics (formerly Invitae), Labcorp
Classification: Uncertain significance for Birt-Hogg-Dube syndrome. Last evaluated: 2025-05-13. Review status: criteria provided, single submitter. Criteria: Invitae Variant Classification Sherloc (09022015). Collection method: clinical testing. Allele origin: germline.
Comment: This sequence change replaces serine, which is neutral and polar, with phenylalanine, which is neutral and non-polar, at codon 185 of the FLCN protein (p.Ser185Phe). This variant is not present in population databases (gnomAD no frequency). This variant has not been reported in the literature in individuals affected with FLCN-related conditions. Invitae Evidence Modeling of protein sequence and biophysical properties (such as structural, functional, and spatial information, amino acid conservation, physicochemical variation, residue mobility, and thermodynamic stability) indicates that this missense variant is expected to disrupt FLCN protein function with a positive predictive value of 80%. In summary, the available evidence is currently insufficient to determine the role of this variant in disease. Therefore, it has been classified as a Variant of Uncertain Significance.